The following is an entry in ClinVar:

NM_014804.3(KIAA0753):c.1234G>T (p.Gly412Cys)

Gene: KIAA0753 (KIAA0753; minus strand). Cytogenetic location: 17p13.1.
Variant type: single nucleotide variant.
Coding change: c.1234G>T on transcript NM_014804.3 (MANE Select); coding-DNA position 1234, G replaced by T.
Protein change: p.Gly412Cys; replaces glycine 412 with cysteine.
Molecular consequence: missense variant. On other transcripts: non-coding transcript variant (3).
Genome position (GRCh38, 1-based): chr17:6,620,869, C>A on the plus strand (G>T on the coding strand, the complement: KIAA0753 is on the minus strand). VCF-style: chr17-6620869-C-A. GRCh37 (hg19) VCF-style: chr17-6524189-C-A.
Other names: c.337G>T, p.Gly113Cys (NM_001351225.2); short protein forms G113C, G412C.
Identifiers: ClinVar variation 1524626 (VCV001524626.8), dbSNP rs1455443277, ClinGen allele CA397412395.

ClinVar aggregate classification (germline): Uncertain significance (1 of 4 stars; one submission).

Allele frequency attached by ClinVar (database versions not stated): TOPMed 0.00001; gnomAD 0.00002.
gnomAD v4.1: 4 of 1,614,028 alleles (0.00025%); highest among the groups gnomAD compares: African/African-American, 0.0053%; no homozygotes.

Submission:

Labcorp Genetics (formerly Invitae), Labcorp
Classification: Uncertain significance. Last evaluated: 2021-04-09. Review status: criteria provided, single submitter. Criteria: Invitae Variant Classification Sherloc (09022015). Collection method: clinical testing. Allele origin: germline.
Comment: In summary, the available evidence is currently insufficient to determine the role of this variant in disease. Therefore, it has been classified as a Variant of Uncertain Significance. Algorithms developed to predict the effect of missense changes on protein structure and function are either unavailable or do not agree on the potential impact of this missense change (SIFT: "Deleterious"; PolyPhen-2: "Possibly Damaging"; Align-GVGD: "Class C15"). This variant has not been reported in the literature in individuals with KIAA0753-related conditions. This variant is not present in population databases (ExAC no frequency). This sequence change replaces glycine with cysteine at codon 412 of the KIAA0753 protein (p.Gly412Cys). The glycine residue is moderately conserved and there is a large physicochemical difference between glycine and cysteine.